The following is an entry in ClinVar:

ClinVar aggregate classification (germline): Conflicting classifications of pathogenicity. Review status: criteria provided, conflicting classifications (1 of 4 stars). 5 submissions from 5 submitters: Uncertain significance (4); Likely benign (1). Last evaluated 2025-12-02.

Conditions:
Hereditary breast ovarian cancer syndrome. Also called: Hereditary breast and ovarian cancer; Breast and ovarian cancer; Hereditary breast and ovarian cancer syndrome; Hereditary breast and/or ovarian cancer syndrome; BRCA1- and BRCA2-Associated Hereditary Breast and Ovarian Cancer; Hereditary breast and ovarian cancer syndrome (HBOC). Identifiers: Orphanet 145, MedGen C0677776, MeSH D061325, MONDO:0003582. Disease mechanism: loss of function.
Hereditary cancer-predisposing syndrome. Also called: Hereditary Cancer Syndrome; Hereditary neoplastic syndrome; Neoplastic Syndromes, Hereditary; Tumor predisposition. Identifiers: Orphanet 140162, MedGen C0027672, MeSH D009386, MONDO:0015356.

Allele frequency attached by ClinVar (database versions not stated): gnomAD exomes below 0.00001.
gnomAD v4.1: 1 of 1,614,090 alleles (0.000062%); highest among the groups gnomAD compares: Non-Finnish European, 0.000085%; no homozygotes.

Submissions (5):

Ambry Genetics
Classification: Uncertain significance for Hereditary cancer-predisposing syndrome. Last evaluated: 2025-12-02. Review status: criteria provided, single submitter. Criteria: Ambry Variant Classification Scheme 2023. Collection method: clinical testing. Allele origin: germline.
Comment: The p.T1155S variant (also known as c.3464C>G), located in coding exon 10 of the BRCA2 gene, results from a C to G substitution at nucleotide position 3464. The threonine at codon 1155 is replaced by serine, an amino acid with similar properties. This amino acid position is not well conserved in available vertebrate species. In addition, this alteration is predicted to be tolerated by in silico analysis. Since supporting evidence is limited at this time, the clinical significance of this alteration remains unclear.

Quest Diagnostics Nichols Institute San Juan Capistrano
Classification: Uncertain significance. Last evaluated: 2024-01-15. Review status: criteria provided, single submitter. Criteria: Quest Diagnostics criteria. Collection method: clinical testing. Allele origin: unknown.
Comment: The BRCA2 c.3464C>G (p.Thr1155Ser) variant has not been reported in individuals with BRCA2-related conditions in the published literature. It has been described to be located in a region of the BRCA2 gene that is tolerant to missense sequence changes (PMID: 31911673 (2020)). The frequency of this variant in the general population, 0.000004 (1/250970 chromosomes (Genome Aggregation Database)), is uninformative in the assessment of its pathogenicity. Analysis of this variant using bioinformatics tools for the prediction of the effect of amino acid changes on protein structure and function yielded predictions that this variant is benign. Based on the available information, we are unable to determine the clinical significance of this variant.

University of Washington Department of Laboratory Medicine, University of Washington
Classification: Likely benign for Hereditary cancer-predisposing syndrome. Last evaluated: 2023-03-23. Review status: criteria provided, single submitter. Criteria: Dines et al. (Genet Med. 2020). Collection method: curation. Allele origin: germline.
Comment: Missense variant in a coldspot region where missense variants are very unlikely to be pathogenic (PMID:31911673).

BRCA2 exon 11 coldspot. Reclassification based on statistical prior probability.

Color Diagnostics, LLC DBA Color Health
Classification: Uncertain significance for Hereditary cancer-predisposing syndrome. Last evaluated: 2022-06-21. Review status: criteria provided, single submitter. Criteria: ACMG Guidelines, 2015. Collection method: clinical testing. Allele origin: germline.
Comment: This missense variant replaces threonine with serine at codon 1155 of the BRCA2 protein. Computational prediction suggests that this variant may not impact protein structure and function (internally defined REVEL score threshold <= 0.5, PMID: 27666373). To our knowledge, functional studies have not been reported for this variant. This variant has not been reported in individuals affected with hereditary cancer in the literature. This variant has been identified in 1/250970 chromosomes in the general population by the Genome Aggregation Database (gnomAD). The available evidence is insufficient to determine the role of this variant in disease conclusively. Therefore, this variant is classified as a Variant of Uncertain Significance.

Labcorp Genetics (formerly Invitae), Labcorp
Classification: Uncertain significance for Hereditary breast ovarian cancer syndrome. Last evaluated: 2019-11-21. Review status: criteria provided, single submitter. Criteria: Invitae Variant Classification Sherloc (09022015). Collection method: clinical testing. Allele origin: germline.
Comment: This variant has not been reported in the literature in individuals with BRCA2-related conditions. ClinVar contains an entry for this variant (Variation ID: 441330). In summary, the available evidence is currently insufficient to determine the role of this variant in disease. Therefore, it has been classified as a Variant of Uncertain Significance. Algorithms developed to predict the effect of missense changes on protein structure and function output the following: SIFT: "Tolerated"; PolyPhen-2: "Benign"; Align-GVGD: "Class C0". The serine amino acid residue is found in multiple mammalian species, suggesting that this missense change does not adversely affect protein function. These predictions have not been confirmed by published functional studies and their clinical significance is uncertain. This variant is not present in population databases (ExAC no frequency). This sequence change replaces threonine with serine at codon 1155 of the BRCA2 protein (p.Thr1155Ser). The threonine residue is weakly conserved and there is a small physicochemical difference between threonine and serine.

Literature cited by the submitters: PubMed 31911673 (cited by Quest Diagnostics Nichols Institute San Juan Capistrano).

NM_000059.4(BRCA2):c.3464C>G (p.Thr1155Ser)

Gene: BRCA2 (BRCA2 DNA repair associated; plus strand). Cytogenetic location: 13q13.1.
Variant type: single nucleotide variant.
Coding change: c.3464C>G on transcript NM_000059.4 (MANE Select); coding-DNA position 3464, C replaced by G.
Protein change: p.Thr1155Ser; replaces threonine 1155 with serine.
Molecular consequence: missense variant.
Genome position (GRCh38, 1-based): chr13:32,337,819, C>G. VCF-style: chr13-32337819-C-G. GRCh37 (hg19) VCF-style: chr13-32911956-C-G.
Other names: short protein forms T1155S.
Identifiers: ClinVar variation 441330 (VCV000441330.22), dbSNP rs1406283407, ClinGen allele CA387776761.